The following is an entry in ClinVar:

ClinVar aggregate classification (germline): Uncertain significance. Review status: criteria provided, multiple submitters, no conflicts (2 of 4 stars). 3 submissions from 3 submitters: Uncertain significance (3). Last evaluated 2025-08-14.

Conditions:
Inborn genetic diseases. Identifiers: MedGen C0950123, MeSH D030342.

Allele frequency attached by ClinVar (database versions not stated): TOPMed 0.00003; 1000 Genomes Project 30x 0.00016.
gnomAD v4.1: 7 of 1,613,728 alleles (0.00043%); highest among the groups gnomAD compares: African/African-American, 0.0093%; no homozygotes.

Submissions (3):

Ambry Genetics
Classification: Uncertain significance for Inborn genetic diseases. Last evaluated: 2025-08-14. Review status: criteria provided, single submitter. Criteria: Ambry Variant Classification Scheme 2023. Collection method: clinical testing. Allele origin: germline.

Labcorp Genetics (formerly Invitae), Labcorp
Classification: Uncertain significance. Last evaluated: 2025-01-29. Review status: criteria provided, single submitter. Criteria: Invitae Variant Classification Sherloc (09022015). Collection method: clinical testing. Allele origin: germline.
Comment: This sequence change replaces serine, which is neutral and polar, with arginine, which is basic and polar, at codon 293 of the PROM1 protein (p.Ser293Arg). This variant is present in population databases (rs148242593, gnomAD 0.01%). This variant has not been reported in the literature in individuals affected with PROM1-related conditions. ClinVar contains an entry for this variant (Variation ID: 866797). Invitae Evidence Modeling of protein sequence and biophysical properties (such as structural, functional, and spatial information, amino acid conservation, physicochemical variation, residue mobility, and thermodynamic stability) indicates that this missense variant is not expected to disrupt PROM1 protein function with a negative predictive value of 80%. In summary, the available evidence is currently insufficient to determine the role of this variant in disease. Therefore, it has been classified as a Variant of Uncertain Significance.

Blueprint Genetics
Classification: Uncertain significance. Last evaluated: 2018-08-02. Review status: criteria provided, single submitter. Criteria: ACMG Guidelines, 2015. Collection method: clinical testing. Allele origin: germline.

NM_006017.3(PROM1):c.879C>A (p.Ser293Arg)

Gene: PROM1 (prominin 1; minus strand). Cytogenetic location: 4p15.32.
Variant type: single nucleotide variant.
Coding change: c.879C>A on transcript NM_006017.3 (MANE Select); coding-DNA position 879, C replaced by A.
Protein change: p.Ser293Arg; replaces serine 293 with arginine.
Molecular consequence: missense variant.
Genome position (GRCh38, 1-based): chr4:16,018,446, G>T on the plus strand (C>A on the coding strand, the complement: PROM1 is on the minus strand). VCF-style: chr4-16018446-G-T. GRCh37 (hg19) VCF-style: chr4-16020069-G-T.
Other names: c.852C>A, p.Ser284Arg (NM_001145847.2, NM_001145848.2, NM_001145851.2 and 4 more transcripts); c.879C>A, p.Ser293Arg (NM_001145849.2, NM_001145850.2); short protein forms S284R, S293R.
Identifiers: ClinVar variation 866797 (VCV000866797.9), dbSNP rs148242593, ClinGen allele CA2866929.